The following is an entry in ClinVar:

ClinVar aggregate classification (germline): Uncertain significance (1 of 4 stars; one submission).

Conditions:
Congenital contractural arachnodactyly (CCA). Also called: BEALS SYNDROME; Beals-Hecht syndrome; Arthrogryposis, distal, type 9. Identifiers: Orphanet 115, MedGen C0220668, MONDO:0007363, OMIM 121050.

Submission:

Labcorp Genetics (formerly Invitae), Labcorp
Classification: Uncertain significance for Congenital contractural arachnodactyly. Last evaluated: 2019-07-22. Review status: criteria provided, single submitter. Criteria: Invitae Variant Classification Sherloc (09022015). Collection method: clinical testing. Allele origin: germline.
Comment: This sequence change replaces cysteine with arginine at codon 779 of the FBN2 protein (p.Cys779Arg). The cysteine residue is moderately conserved and there is a large physicochemical difference between cysteine and arginine. In summary, the available evidence is currently insufficient to determine the role of this variant in disease. Therefore, it has been classified as a Variant of Uncertain Significance. Algorithms developed to predict the effect of missense changes on protein structure and function are either unavailable or do not agree on the potential impact of this missense change (SIFT: "Deleterious"; PolyPhen-2: "Possibly Damaging"; Align-GVGD: "Class C0"). This variant has not been reported in the literature in individuals with FBN2-related conditions. This variant is not present in population databases (ExAC no frequency).

NM_001999.4(FBN2):c.2335T>C (p.Cys779Arg)

Gene: FBN2 (fibrillin 2; minus strand). Cytogenetic location: 5q23.3.
Variant type: single nucleotide variant.
Coding change: c.2335T>C on transcript NM_001999.4 (MANE Select); coding-DNA position 2335, T replaced by C.
Protein change: p.Cys779Arg; replaces cysteine 779 with arginine.
Molecular consequence: missense variant.
Genome position (GRCh38, 1-based): chr5:128,364,693, A>G on the plus strand (T>C on the coding strand, the complement: FBN2 is on the minus strand). VCF-style: chr5-128364693-A-G. GRCh37 (hg19) VCF-style: chr5-127700386-A-G.
Other names: short protein forms C779R.
Identifiers: ClinVar variation 952151 (VCV000952151.10), dbSNP rs1751722668, ClinGen allele CA360768404.